The following is an entry in ClinVar:

NM_004958.4(MTOR):c.2208+6C>T

Gene: MTOR (mechanistic target of rapamycin kinase; minus strand). Cytogenetic location: 1p36.22.
Variant type: single nucleotide variant.
Coding change: c.2208+6C>T on transcript NM_004958.4 (MANE Select); 6 bases into the intron after coding-DNA position 2208, C replaced by T.
Molecular consequence: intron variant.
Genome position (GRCh38, 1-based): chr1:11,237,837, G>A on the plus strand (C>T on the coding strand, the complement: MTOR is on the minus strand). VCF-style: chr1-11237837-G-A. GRCh37 (hg19) VCF-style: chr1-11297894-G-A.
Other names: c.2208+6C>T (LRG_734t1).
Identifiers: ClinVar variation 652259 (VCV000652259.36), dbSNP rs375405319, ClinGen allele CA590560.

ClinVar aggregate classification (germline): Benign/Likely benign. Review status: criteria provided, multiple submitters, no conflicts (2 of 4 stars). 4 submissions from 4 submitters: Benign (1); Likely benign (2). 1 of the submissions does not count toward it. Last evaluated 2025-06-08.

Conditions:
MTOR-related disorder. Also called: MTOR-related condition.

Allele frequency attached by ClinVar (database versions not stated): ExAC 0.00004; gnomAD 0.00004 and 0.00005; gnomAD exomes 0.00005 and 0.00016; ESP Exome Variant Server 0.00008; TOPMed 0.00008.
gnomAD v4.1: 231 of 1,613,642 alleles (0.014%); highest among the groups gnomAD compares: Non-Finnish European, 0.019%; no homozygotes.

Submissions (4):

Labcorp Genetics (formerly Invitae), Labcorp
Classification: Benign. Last evaluated: 2025-06-08. Review status: criteria provided, single submitter. Criteria: Invitae Variant Classification Sherloc (09022015). Collection method: clinical testing. Allele origin: germline.

Blueprint Genetics
Classification: Likely benign. Last evaluated: 2023-09-18. Review status: criteria provided, single submitter. Criteria: ACMG Guidelines, 2015. Collection method: clinical testing. Allele origin: germline.

CeGaT Center for Human Genetics Tuebingen
Classification: Likely benign. Last evaluated: 2022-05-01. Review status: criteria provided, single submitter. Criteria: CeGaT Center For Human Genetics Tuebingen Variant Classification Criteria Version 2. Collection method: clinical testing. Allele origin: germline. Affected: yes. Observed: 1 variant allele.
Comment: MTOR: BP4

PreventionGenetics, part of Exact Sciences
Classification: Likely benign for MTOR-related condition. Last evaluated: 2023-04-27. Review status: no assertion criteria provided. Collection method: clinical testing. Allele origin: germline. Not counted in ClinVar's aggregate classification.
Comment: This variant is classified as likely benign based on ACMG/AMP sequence variant interpretation guidelines (Richards et al. 2015 PMID: 25741868, with internal and published modifications).